The following is an entry in ClinVar:

ClinVar aggregate classification (germline): Uncertain significance (1 of 4 stars; one submission).

Conditions:
Epilepsy, familial focal, with variable foci 3 (FFEVF3). Identifiers: MedGen C4310708, MONDO:0014925, OMIM 617118.

Submission:

Labcorp Genetics (formerly Invitae), Labcorp
Classification: Uncertain significance for Epilepsy, familial focal, with variable foci 3. Last evaluated: 2024-12-28. Review status: criteria provided, single submitter. Criteria: Invitae Variant Classification Sherloc (09022015). Collection method: clinical testing. Allele origin: germline.
Comment: This sequence change replaces histidine, which is basic and polar, with tyrosine, which is neutral and polar, at codon 524 of the NPRL3 protein (p.His524Tyr). This variant is not present in population databases (gnomAD no frequency). This variant has not been reported in the literature in individuals affected with NPRL3-related conditions. Invitae Evidence Modeling of protein sequence and biophysical properties (such as structural, functional, and spatial information, amino acid conservation, physicochemical variation, residue mobility, and thermodynamic stability) indicates that this missense variant is not expected to disrupt NPRL3 protein function with a negative predictive value of 80%. In summary, the available evidence is currently insufficient to determine the role of this variant in disease. Therefore, it has been classified as a Variant of Uncertain Significance.

NM_001077350.3(NPRL3):c.1570C>T (p.His524Tyr)

Gene: NPRL3 (NPR3 like, GATOR1 complex subunit; minus strand). Cytogenetic location: 16p13.3.
Variant type: single nucleotide variant.
Coding change: c.1570C>T on transcript NM_001077350.3 (MANE Select); coding-DNA position 1570, C replaced by T.
Protein change: p.His524Tyr; replaces histidine 524 with tyrosine.
Molecular consequence: missense variant.
Genome position (GRCh38, 1-based): chr16:86,845, G>A on the plus strand (C>T on the coding strand, the complement: NPRL3 is on the minus strand). VCF-style: chr16-86845-G-A. GRCh37 (hg19) VCF-style: chr16-136844-G-A.
Other names: c.1495C>T, p.His499Tyr (NM_001243248.2, NM_001243249.2); c.1033C>T, p.His345Tyr (NM_001039476.3); c.1336C>T, p.His446Tyr (NM_001243247.2); short protein forms H524Y, H446Y, H499Y, H345Y.
Identifiers: ClinVar variation 3716788 (VCV003716788.2).